The following is an entry in ClinVar:

NM_012281.3(KCND2):c.1652G>T (p.Gly551Val)

Gene: KCND2 (potassium voltage-gated channel subfamily D member 2; plus strand). Cytogenetic location: 7q31.31.
Variant type: single nucleotide variant.
Coding change: c.1652G>T on transcript NM_012281.3 (MANE Select); coding-DNA position 1652, G replaced by T.
Protein change: p.Gly551Val; replaces glycine 551 with valine.
Molecular consequence: missense variant.
Genome position (GRCh38, 1-based): chr7:120,745,964, G>T. VCF-style: chr7-120745964-G-T. GRCh37 (hg19) VCF-style: chr7-120386018-G-T.
Other names: short protein forms G551V.
Identifiers: ClinVar variation 1479324 (VCV001479324.6), dbSNP rs1216481628, ClinGen allele CA369135887.
Genomic context (GRCh38, chr7:120,745,964, plus strand): 5'-CACGACGACACAAAAAAACTTTTCGCATCCCAAATGCCAATGTATCAGGAAGCCATCAAG[G>T]TAGTATACAAGAACTCAGCACGATTCAGATCAGATGTGTGGAGAGAACACCTCTGTCTAA-3'
Protein context (NP_036413.1, residues 541-561): PNANVSGSHQ[Gly551Val]SIQELSTIQI

ClinVar aggregate classification (germline): Uncertain significance (1 of 4 stars; one submission).

Conditions:
Early Myoclonic Encephalopathy. Identifiers: MedGen C0270855.

Allele frequency attached by ClinVar (database versions not stated): gnomAD 0.00001; TOPMed below 0.00001; gnomAD exomes 0.00002.
gnomAD v4.1: 18 of 1,613,664 alleles (0.0011%); highest among the groups gnomAD compares: Non-Finnish European, 0.0014%; no homozygotes.

Submission:

Labcorp Genetics (formerly Invitae), Labcorp
Classification: Uncertain significance for Early Myoclonic Encephalopathy. Last evaluated: 2024-09-21. Review status: criteria provided, single submitter. Criteria: Invitae Variant Classification Sherloc (09022015). Collection method: clinical testing. Allele origin: germline.
Comment: This sequence change replaces glycine, which is neutral and non-polar, with valine, which is neutral and non-polar, at codon 551 of the KCND2 protein (p.Gly551Val). This variant is not present in population databases (gnomAD no frequency). This variant has not been reported in the literature in individuals affected with KCND2-related conditions. ClinVar contains an entry for this variant (Variation ID: 1479324). Invitae Evidence Modeling of protein sequence and biophysical properties (such as structural, functional, and spatial information, amino acid conservation, physicochemical variation, residue mobility, and thermodynamic stability) indicates that this missense variant is not expected to disrupt KCND2 protein function with a negative predictive value of 80%. In summary, the available evidence is currently insufficient to determine the role of this variant in disease. Therefore, it has been classified as a Variant of Uncertain Significance.